The following is an entry in ClinVar:

NM_170784.3(MKKS):c.423A>T (p.Pro141=)

Gene: MKKS (MKKS centrosomal shuttling protein; minus strand). Cytogenetic location: 20p12.2.
Variant type: single nucleotide variant.
Coding change: c.423A>T on transcript NM_170784.3 (MANE Select); coding-DNA position 423, A replaced by T.
Protein change: p.Pro141=; no amino-acid change (proline 141 retained).
Molecular consequence: synonymous variant.
Genome position (GRCh38, 1-based): chr20:10,413,092, T>A on the plus strand (A>T on the coding strand, the complement: MKKS is on the minus strand). VCF-style: chr20-10413092-T-A. GRCh37 (hg19) VCF-style: chr20-10393740-T-A.
Other names: c.423A>T, p.Pro141= (NM_018848.3).
Identifiers: ClinVar variation 4996433 (VCV004996433.1).

ClinVar aggregate classification (germline): Likely benign (1 of 4 stars; one submission).

Conditions:
MKKS-related disorder. Also called: MKKS-related disorders; MKKS-related condition.

Submission:

PreventionGenetics, part of Exact Sciences
Classification: Likely benign for MKKS-related condition. Last evaluated: 2026-02-03. Review status: criteria provided, single submitter. Criteria: ACMG Guidelines, 2015. Collection method: clinical testing. Allele origin: germline.
Comment: This variant is classified as likely benign based on ACMG/AMP sequence variant interpretation guidelines (Richards et al. 2015 PMID: 25741868, with internal and published modifications).